The following is an entry in ClinVar:

NM_001352754.2(ARMC9):c.1204_1210+5del

Gene: ARMC9 (armadillo repeat containing 9; plus strand). Cytogenetic location: 2q37.1.
Variant type: Deletion.
Coding change: c.1204_1210+5del on transcript NM_001352754.2 (MANE Select); coding-DNA position 1204 through 5 bases into the intron after coding-DNA position 1210, 12 bases deleted (GCAGAAGGTGAG).
Molecular consequence: splice donor variant.
Genome position (GRCh38, 1-based): chr2:231,271,066-231,271,077, GCAGAAGGTGAG deleted; deleting any 12 consecutive bases within chr2:231,271,065-231,271,077 gives the same sequence; the c. name uses the placement nearest the transcript's 3' end. VCF-style (leftmost placement, unchanged base first): chr2-231271064-TGGCAGAAGGTGA-T. GRCh37 (hg19) VCF-style: chr2-232135777-TGGCAGAAGGTGA-T.
Other names: c.1204_1210+5del (NM_001271466.4, NM_001352755.2, NM_001352756.2 and 3 more transcripts); c.1105_1111+5del (NM_001352757.2, NM_001352758.2).
Identifiers: ClinVar variation 1899508 (VCV001899508.5), dbSNP rs1232994809, ClinGen allele CA539944984.

ClinVar aggregate classification (germline): Likely pathogenic (1 of 4 stars; one submission).

Submission:

Labcorp Genetics (formerly Invitae), Labcorp
Classification: Likely pathogenic. Last evaluated: 2025-02-10. Review status: criteria provided, single submitter. Criteria: Invitae Variant Classification Sherloc (09022015). Collection method: clinical testing. Allele origin: germline.
Comment: This variant results in the deletion of part of exon 12 (c.1204_1210+5del) of the ARMC9 gene. It is expected to disrupt RNA splicing. Variants that disrupt the donor or acceptor splice site typically lead to a loss of protein function (PMID: 16199547), and loss-of-function variants in ARMC9 are known to be pathogenic (PMID: 28625504). This variant is present in population databases (no rsID available, gnomAD 0.007%). This variant has not been reported in the literature in individuals affected with ARMC9-related conditions. ClinVar contains an entry for this variant (Variation ID: 1899508). In summary, the currently available evidence indicates that the variant is pathogenic, but additional data are needed to prove that conclusively. Therefore, this variant has been classified as Likely Pathogenic.

Literature cited by the submitters: PubMed 16199547; PubMed 28625504.